The following is an entry in ClinVar:

NM_003062.4(SLIT3):c.4053G>A (p.Val1351=)

Gene: SLIT3 (slit guidance ligand 3; minus strand). Cytogenetic location: 5q34.
Variant type: single nucleotide variant.
Coding change: c.4053G>A on transcript NM_003062.4 (MANE Select); coding-DNA position 4053, G replaced by A.
Protein change: p.Val1351=; no amino-acid change (valine 1351 retained).
Molecular consequence: synonymous variant.
Genome position (GRCh38, 1-based): chr5:168,671,272, C>T on the plus strand (G>A on the coding strand, the complement: SLIT3 is on the minus strand). VCF-style: chr5-168671272-C-T. GRCh37 (hg19) VCF-style: chr5-168098277-C-T.
Other names: c.4074G>A (NM_001271946.1); c.4074G>A, p.Val1358= (NM_001271946.2).
Identifiers: ClinVar variation 2656046 (VCV002656046.25), dbSNP rs149659886, ClinGen allele CA3550751.

ClinVar aggregate classification (germline): Likely benign. Review status: criteria provided, single submitter (1 of 4 stars). 2 submissions from 2 submitters: Likely benign (1). 1 of the submissions does not count toward it. Last evaluated 2022-03-01.

Conditions:
SLIT3-related disorder. Also called: SLIT3-related condition.

Allele frequency attached by ClinVar (database versions not stated): TOPMed 0.00019; ESP Exome Variant Server 0.00023; gnomAD 0.00025; gnomAD exomes 0.00030; 1000 Genomes Project 30x 0.00047; 1000 Genomes Project 0.00060; ExAC 0.00061.
gnomAD v4.1: 500 of 1,613,672 alleles (0.031%); highest among the groups gnomAD compares: Middle Eastern, 0.36%; 2 homozygotes.

Submissions (2):

CeGaT Center for Human Genetics Tuebingen
Classification: Likely benign. Last evaluated: 2022-03-01. Review status: criteria provided, single submitter. Criteria: CeGaT Center For Human Genetics Tuebingen Variant Classification Criteria Version 2. Collection method: clinical testing. Allele origin: germline. Affected: yes. Observed: 1 variant allele.
Comment: SLIT3: BP4, BP7

PreventionGenetics, part of Exact Sciences
Classification: Likely benign for SLIT3-related condition. Last evaluated: 2022-04-20. Review status: no assertion criteria provided. Collection method: clinical testing. Allele origin: germline. Not counted in ClinVar's aggregate classification.
Comment: This variant is classified as likely benign based on ACMG/AMP sequence variant interpretation guidelines (Richards et al. 2015 PMID: 25741868, with internal and published modifications).